The following is an entry in ClinVar:

ClinVar aggregate classification (germline): Benign/Likely benign. Review status: criteria provided, multiple submitters, no conflicts (2 of 4 stars). 15 submissions from 12 submitters: Benign (11); Likely benign (1). 3 of the submissions do not count toward it. Last evaluated 2026-05-11.

Conditions:
Familial gestational hyperthyroidism. Identifiers: Orphanet 99819, MedGen C1863959, MONDO:0011309, OMIM 603373.
Hypothyroidism due to TSH receptor mutations. Also called: HYPOTHYROIDISM DUE TO UNRESPONSIVENESS TO THYROTROPIN; HYPOTHYROIDISM, CONGENITAL, DUE TO TSH RESISTANCE; HYPOTHYROIDISM, NONAUTOIMMUNE; THYROID-STIMULATING HORMONE, RESISTANCE TO; TSH RESISTANCE; Hypothyroidism, congenital, nongoitrous, 1. Identifiers: Orphanet 90673, MedGen C3493776, MONDO:0010142, OMIM 275200.
Familial hyperthyroidism due to mutations in TSH receptor. Also called: TOXIC THYROID HYPERPLASIA, AUTOSOMAL DOMINANT; HYPERTHYROIDISM, CONGENITAL NONAUTOIMMUNE; HYPERTHYROIDISM, NONAUTOIMMUNE, AUTOSOMAL DOMINANT. Identifiers: Orphanet 424, MedGen C1836706, MONDO:0012203, OMIM 609152.

Allele frequency attached by ClinVar (database versions not stated): gnomAD 0.04384 and 0.04788; TOPMed 0.04384; ESP Exome Variant Server 0.04659; 1000 Genomes Project 30x 0.06074; 1000 Genomes Project 0.06170.
gnomAD v4.1: 100,934 of 1,614,144 alleles (6.3%); highest among the groups gnomAD compares: South Asian, 20%; 4,507 homozygotes.

Submissions (15):

Women's Health and Genetics/Laboratory Corporation of America, LabCorp
Classification: Likely benign. Last evaluated: 2026-05-11. Review status: criteria provided, single submitter. Criteria: LabCorp Variant Classification Summary - May 2015. Collection method: clinical testing. Allele origin: germline.

Labcorp Genetics (formerly Invitae), Labcorp
Classification: Benign. Last evaluated: 2026-02-04. Review status: criteria provided, single submitter. Criteria: Invitae Variant Classification Sherloc (09022015). Collection method: clinical testing. Allele origin: germline.

Blueprint Genetics
Classification: Benign. Last evaluated: 2024-11-27. Review status: criteria provided, single submitter. Criteria: ACMG Guidelines, 2015. Collection method: clinical testing. Allele origin: germline.

Genome-Nilou Lab
Classification: Benign for Familial gestational hyperthyroidism. Last evaluated: 2021-09-10. Review status: criteria provided, single submitter. Criteria: ACMG Guidelines, 2015. Collection method: clinical testing. Allele origin: germline. Affected: no.

Genome-Nilou Lab
Classification: Benign for Familial hyperthyroidism due to mutations in TSH receptor. Last evaluated: 2021-09-10. Review status: criteria provided, single submitter. Criteria: ACMG Guidelines, 2015. Collection method: clinical testing. Allele origin: germline. Affected: no.

Genome-Nilou Lab
Classification: Benign for Hypothyroidism due to TSH receptor mutations. Last evaluated: 2021-09-10. Review status: criteria provided, single submitter. Criteria: ACMG Guidelines, 2015. Collection method: clinical testing. Allele origin: germline. Affected: no.

GeneDx
Classification: Benign. Last evaluated: 2021-02-01. Review status: criteria provided, single submitter. Criteria: GeneDx Variant Classification Process June 2021. Collection method: clinical testing. Allele origin: germline. Affected: yes.
Comment: This variant is associated with the following publications: (PMID: 26356361, 27884173, 18379122, 17953807, 7919995, 10037069, 24728327, 20981092, 17392608, 7508946, 8681963, 7556171)

Illumina Laboratory Services, Illumina
Classification: Benign for Hypothyroidism due to TSH receptor mutations. Last evaluated: 2018-03-06. Review status: criteria provided, single submitter. Criteria: ICSL Variant Classification Criteria 13 December 2019. Collection method: clinical testing. Allele origin: germline.
Comment: This variant was observed in the ICSL laboratory as part of a predisposition screen in an ostensibly healthy population. It had not been previously curated by ICSL or reported in the Human Gene Mutation Database (HGMD: prior to June 1st, 2018), and was therefore a candidate for classification through an automated scoring system. Utilizing variant allele frequency, disease prevalence and penetrance estimates, and inheritance mode, an automated score was calculated to assess if this variant is too frequent to cause the disease. Based on the score and internal cut-off values, a variant classified as benign is not then subjected to further curation. The score for this variant resulted in a classification of benign for this disease.

Illumina Laboratory Services, Illumina
Classification: Benign for Familial hyperthyroidism due to mutations in TSH receptor. Last evaluated: 2018-03-06. Review status: criteria provided, single submitter. Criteria: ICSL Variant Classification Criteria 13 December 2019. Collection method: clinical testing. Allele origin: germline.
Comment: the same text as in the submission from Illumina Laboratory Services, Illumina above.

Genomic Diagnostic Laboratory, Division of Genomic Diagnostics, Children's Hospital of Philadelphia
Classification: Benign. Last evaluated: 2015-02-19. Review status: criteria provided, single submitter. Criteria: DGD Variant Analysis Guidelines. Collection method: clinical testing. Allele origin: unknown.

Breakthrough Genomics
Classification: Benign. Review status: criteria provided, single submitter. Criteria: ACMG Guidelines, 2015. Collection method: not provided. Allele origin: germline. Inheritance: Autosomal recessive inheritance. Affected: yes.

PreventionGenetics, part of Exact Sciences
Classification: Benign. Review status: criteria provided, single submitter. Criteria: ACMG Guidelines, 2015. Collection method: clinical testing. Allele origin: germline.

ITMI
No classification provided. Condition: AllHighlyPenetrant. Last evaluated: 2013-09-19. Review status: no classification provided. Collection method: reference population. Allele origin: germline. Not counted in ClinVar's aggregate classification.
Comment: Please see associated publication for description of ethnicities

Clinical Genetics, Academic Medical Center
Classification: Benign. Review status: no assertion criteria provided. Collection method: clinical testing. Allele origin: germline. Affected: yes. Study: VKGL Data-share Consensus. Not counted in ClinVar's aggregate classification.

Diagnostic Laboratory, Department of Genetics, University Medical Center Groningen
Classification: Benign. Review status: no assertion criteria provided. Collection method: clinical testing. Allele origin: germline. Affected: yes. Study: VKGL Data-share Consensus. Not counted in ClinVar's aggregate classification.

Literature cited by the submitters: PubMed 24728327 (cited by ITMI).

NM_000369.5(TSHR):c.154C>A (p.Pro52Thr)

Genes: CEP128 (centrosomal protein 128; minus strand), TSHR (thyroid stimulating hormone receptor; plus strand). Cytogenetic location: 14q31.1.
Variant type: single nucleotide variant.
Coding change: c.154C>A on transcript NM_000369.5 (MANE Select); coding-DNA position 154, C replaced by A.
Protein change: p.Pro52Thr; replaces proline 52 with threonine.
Molecular consequence: missense variant.
Genome position (GRCh38, 1-based): chr14:80,955,834, C>A. VCF-style: chr14-80955834-C-A. GRCh37 (hg19) VCF-style: chr14-81422178-C-A.
Other names: c.154C>A, p.Pro52Thr (NM_001018036.3, NM_001142626.3); short protein forms P52T.
Identifiers: ClinVar variation 135392 (VCV000135392.18), dbSNP rs2234919, ClinGen allele CA248749.